The following is an entry in ClinVar:

ClinVar aggregate classification (germline): Conflicting classifications of pathogenicity. Review status: criteria provided, conflicting classifications (1 of 4 stars). 6 submissions from 6 submitters: Uncertain significance (1); Likely benign (4). 1 of the submissions does not count toward it. Last evaluated 2025-07-16.

Conditions:
MASP1-related disorder. Also called: MASP1-related condition.
Inborn genetic diseases. Identifiers: MedGen C0950123, MeSH D030342.
3MC syndrome 1. Also called: CRANIOSYNOSTOSIS WITH LID ANOMALIES; OCULOPALATOSKELETAL SYNDROME; MICHELS SYNDROME. Identifiers: Orphanet 293843, MedGen C0796059, MONDO:0009770, OMIM 257920.

Allele frequency attached by ClinVar (database versions not stated): gnomAD exomes 0.00010 and 0.00037; ExAC 0.00040; 1000 Genomes Project 30x 0.00078; 1000 Genomes Project 0.00080; gnomAD 0.00128 and 0.00142; TOPMed 0.00150; ESP Exome Variant Server 0.00169.
gnomAD v4.1: 347 of 1,613,954 alleles (0.021%); highest among the groups gnomAD compares: African/African-American, 0.4%; 1 homozygote.

Submissions (6):

Labcorp Genetics (formerly Invitae), Labcorp
Classification: Likely benign for 3MC syndrome 1. Last evaluated: 2025-07-16. Review status: criteria provided, single submitter. Criteria: Invitae Variant Classification Sherloc (09022015). Collection method: clinical testing. Allele origin: germline.

Blueprint Genetics
Classification: Likely benign. Last evaluated: 2024-07-04. Review status: criteria provided, single submitter. Criteria: ACMG Guidelines, 2015. Collection method: clinical testing. Allele origin: germline.

Ambry Genetics
Classification: Likely benign for Inborn genetic diseases. Last evaluated: 2024-01-03. Review status: criteria provided, single submitter. Criteria: Ambry Variant Classification Scheme 2023. Collection method: clinical testing. Allele origin: germline.

Center for Genomics, Ann and Robert H. Lurie Children's Hospital of Chicago
Classification: Uncertain significance for 3MC syndrome 1. Last evaluated: 2021-03-30. Review status: criteria provided, single submitter. Criteria: ACMG Guidelines, 2015. Collection method: clinical testing. Allele origin: germline.
Comment: MASP1 NM_139125.3 exon 5 p.Asn225Ser (c.674A>G): This variant has not been reported in the literature but is present in 0.4% (122/24954) of African alleles in the Genome Aggregation Database. This variant is present in ClinVar (Variation ID:286640). This variant amino acid Serine (Ser) is present in >40 species including mammals and is not well conserved among evolutionarily distant species; this suggests that this variant may not impact the protein. Additional computational prediction tools do not suggest an impact. Although this variant occurs within the exon, computational prediction tools suggest that it may alter splicing. However, further studies are needed to understand its impact. In summary, data on this variant suggests that this variant does not cause disease, but requires further evidence. Therefore, the clinical significance of this variant is uncertain.

Eurofins Ntd Llc (ga)
Classification: Likely benign. Last evaluated: 2016-05-03. Review status: criteria provided, single submitter. Criteria: EGL Classification Definitions 2015. Collection method: clinical testing. Allele origin: germline. Observed: 2 variant alleles, 2 heterozygotes.

PreventionGenetics, part of Exact Sciences
Classification: Likely benign for MASP1-related condition. Last evaluated: 2020-01-30. Review status: no assertion criteria provided. Collection method: clinical testing. Allele origin: germline. Not counted in ClinVar's aggregate classification.
Comment: This variant is classified as likely benign based on ACMG/AMP sequence variant interpretation guidelines (Richards et al. 2015 PMID: 25741868, with internal and published modifications).

NM_139125.4(MASP1):c.674A>G (p.Asn225Ser)

Gene: MASP1 (MBL associated serine protease 1; minus strand). Cytogenetic location: 3q27.3.
Variant type: single nucleotide variant.
Coding change: c.674A>G on transcript NM_139125.4 (MANE Select); coding-DNA position 674, A replaced by G.
Protein change: p.Asn225Ser; replaces asparagine 225 with serine.
Molecular consequence: missense variant. On other transcripts: non-coding transcript variant (1).
Genome position (GRCh38, 1-based): chr3:187,256,734, T>C on the plus strand (A>G on the coding strand, the complement: MASP1 is on the minus strand). VCF-style: chr3-187256734-T-C. GRCh37 (hg19) VCF-style: chr3-186974522-T-C.
Other names: c.674A>G (NM_139125.3); c.674A>G, p.Asn225Ser (NM_001031849.3, NM_001879.6); short protein forms N225S.
Identifiers: ClinVar variation 286640 (VCV000286640.20), dbSNP rs145045341, ClinGen allele CA2749555.
Genomic context (GRCh38, chr3:187,256,734, plus strand): 5'-TCATAGGGGCAGGGCACCTCAGGATGGTCCTCAATGTCAAATATGTCCTCAAACTGCAGG[T>C]TGACCATGAAACCCTCCTCCAGCTCGATGGTATACAGGCATTCAGAGCTCTTGGGGTAAG-3'
Protein context (NP_624302.1, residues 215-235): TIELEEGFMV[Asn225Ser]LQFEDIFDIE